The following is an entry in ClinVar:

NM_001001671.4(MAP3K15):c.1971C>T (p.Val657=)

Gene: MAP3K15 (mitogen-activated protein kinase kinase kinase 15; minus strand). Cytogenetic location: Xp22.12.
Variant type: single nucleotide variant.
Coding change: c.1971C>T on transcript NM_001001671.4 (MANE Select); coding-DNA position 1971, C replaced by T.
Protein change: p.Val657=; no amino-acid change (valine 657 retained).
Molecular consequence: synonymous variant.
Genome position (GRCh38, 1-based): chrX:19,398,321, G>A on the plus strand (C>T on the coding strand, the complement: MAP3K15 is on the minus strand). VCF-style: chrX-19398321-G-A. GRCh37 (hg19) VCF-style: chrX-19416439-G-A.
Identifiers: ClinVar variation 3033464 (VCV003033464.2), dbSNP rs139556701, ClinGen allele CA10363898.

ClinVar aggregate classification (germline): Benign (0 of 4 stars; one submission).

Conditions:
MAP3K15-related disorder. Also called: MAP3K15-related condition.

Allele frequency attached by ClinVar (database versions not stated): ExAC 0.00171; 1000 Genomes Project 30x 0.00375; gnomAD 0.00393; 1000 Genomes Project 0.00450; TOPMed 0.00463; ESP Exome Variant Server 0.00502.
gnomAD v4.1: 886 of 1,209,154 alleles (0.073%); highest among the groups gnomAD compares: African/African-American, 1.3%; 3 homozygotes.

Submission:

PreventionGenetics, part of Exact Sciences
Classification: Benign for MAP3K15-related condition. Last evaluated: 2019-03-04. Review status: no assertion criteria provided. Collection method: clinical testing. Allele origin: germline.
Comment: This variant is classified as benign based on ACMG/AMP sequence variant interpretation guidelines (Richards et al. 2015 PMID: 25741868, with internal and published modifications).